The following is an entry in ClinVar:

ClinVar aggregate classification (germline): Uncertain significance (1 of 4 stars; one submission).

Conditions:
Inborn genetic diseases. Identifiers: MedGen C0950123, MeSH D030342.

Submission:

Ambry Genetics
Classification: Uncertain significance for Inborn genetic diseases. Last evaluated: 2025-03-31. Review status: criteria provided, single submitter. Criteria: Ambry Variant Classification Scheme 2023. Collection method: clinical testing. Allele origin: germline.
Comment: The p.D383N variant (also known as c.1147G>A), located in coding exon 3 of the MBD4 gene, results from a G to A substitution at nucleotide position 1147. The aspartic acid at codon 383 is replaced by asparagine, an amino acid with highly similar properties. This amino acid position is conserved. In addition, this alteration is predicted to be tolerated by in silico analysis. Based on the available evidence, the clinical significance of this variant remains unclear.

NM_001276270.2(MBD4):c.1147G>A (p.Asp383Asn)

Gene: MBD4 (methyl-CpG binding domain 4, DNA glycosylase; minus strand). Cytogenetic location: 3q21.3.
Variant type: single nucleotide variant.
Coding change: c.1147G>A on transcript NM_001276270.2 (MANE Select); coding-DNA position 1147, G replaced by A.
Protein change: p.Asp383Asn; replaces aspartic acid 383 with asparagine.
Molecular consequence: missense variant. On other transcripts: intron variant (1).
Genome position (GRCh38, 1-based): chr3:129,436,497, C>T on the plus strand (G>A on the coding strand, the complement: MBD4 is on the minus strand). VCF-style: chr3-129436497-C-T. GRCh37 (hg19) VCF-style: chr3-129155340-C-T.
Other names: c.1147G>A, p.Asp383Asn (NM_001276271.2, NM_001276272.2, NM_003925.3); c.247+1311G>A (NM_001276273.2); short protein forms D383N.
Identifiers: ClinVar variation 4052180 (VCV004052180.1).